The following is an entry in ClinVar:

ClinVar aggregate classification (germline): Uncertain significance (1 of 4 stars; one submission).

Conditions:
CHARGE syndrome (CHARGE). Also called: Hittner Hirsch Kreh syndrome; CHARGE ASSOCIATION--COLOBOMA, HEART ANOMALY, CHOANAL ATRESIA, RETARDATION, GENITAL AND EAR ANOMALIES; Coloboma, heart anomaly, choanal atresia, retardation, genital and ear anomalies; CHARGE association; Hall-Hittner syndrome. Identifiers: Orphanet 138, MedGen C0265354, MONDO:0008965.

gnomAD v4.1: 2 of 1,613,944 alleles (0.00012%); highest among the groups gnomAD compares: Non-Finnish European, 0.00017%; no homozygotes.

Submission:

Labcorp Genetics (formerly Invitae), Labcorp
Classification: Uncertain significance for CHARGE syndrome. Last evaluated: 2025-11-10. Review status: criteria provided, single submitter. Criteria: Invitae Variant Classification Sherloc (09022015). Collection method: clinical testing. Allele origin: germline.
Comment: This sequence change replaces arginine, which is basic and polar, with histidine, which is basic and polar, at codon 1914 of the CHD7 protein (p.Arg1914His). This variant is not present in population databases (gnomAD no frequency). This missense change has been observed in individual(s) with clinical features of CHD7-related conditions (PMID: 32436650). Invitae Evidence Modeling of protein sequence and biophysical properties (such as structural, functional, and spatial information, amino acid conservation, physicochemical variation, residue mobility, and thermodynamic stability) indicates that this missense variant is expected to disrupt CHD7 protein function with a positive predictive value of 95%. In summary, the available evidence is currently insufficient to determine the role of this variant in disease. Therefore, it has been classified as a Variant of Uncertain Significance.

Literature cited by the submitters: PubMed 32436650.

NM_017780.4(CHD7):c.5741G>A (p.Arg1914His)

Gene: CHD7 (chromodomain helicase DNA binding protein 7; plus strand). Cytogenetic location: 8q12.2.
Variant type: single nucleotide variant.
Coding change: c.5741G>A on transcript NM_017780.4 (MANE Select); coding-DNA position 5741, G replaced by A.
Protein change: p.Arg1914His; replaces arginine 1914 with histidine.
Molecular consequence: missense variant. On other transcripts: intron variant (1).
Genome position (GRCh38, 1-based): chr8:60,852,094, G>A. VCF-style: chr8-60852094-G-A. GRCh37 (hg19) VCF-style: chr8-61764653-G-A.
Other names: c.1717-10135G>A (NM_001316690.1); short protein forms R1914H.
Identifiers: ClinVar variation 4707608 (VCV004707608.1).